The following is an entry in ClinVar:

ClinVar aggregate classification (germline): Uncertain significance (1 of 4 stars; one submission).

Allele frequency attached by ClinVar (database versions not stated): gnomAD 0.00001; TOPMed 0.00001.
gnomAD v4.1: 11 of 1,612,270 alleles (0.00068%); highest among the groups gnomAD compares: Non-Finnish European, 0.00085%; no homozygotes.

Submission:

Labcorp Genetics (formerly Invitae), Labcorp
Classification: Uncertain significance. Last evaluated: 2022-02-13. Review status: criteria provided, single submitter. Criteria: Invitae Variant Classification Sherloc (09022015). Collection method: clinical testing. Allele origin: germline.
Comment: In summary, the available evidence is currently insufficient to determine the role of this variant in disease. Therefore, it has been classified as a Variant of Uncertain Significance. Algorithms developed to predict the effect of missense changes on protein structure and function are either unavailable or do not agree on the potential impact of this missense change (SIFT: "Deleterious"; PolyPhen-2: "Probably Damaging"; Align-GVGD: "Class C0"). This variant has not been reported in the literature in individuals affected with GUF1-related conditions. This variant is present in population databases (no rsID available, gnomAD 0.007%). This sequence change replaces leucine, which is neutral and non-polar, with arginine, which is basic and polar, at codon 163 of the GUF1 protein (p.Leu163Arg).

NM_021927.3(GUF1):c.488T>G (p.Leu163Arg)

Gene: GUF1 (GTP binding elongation factor GUF1; plus strand). Cytogenetic location: 4p12.
Variant type: single nucleotide variant.
Coding change: c.488T>G on transcript NM_021927.3 (MANE Select); coding-DNA position 488, T replaced by G.
Protein change: p.Leu163Arg; replaces leucine 163 with arginine.
Molecular consequence: missense variant. On other transcripts: 5 prime UTR variant (2).
Genome position (GRCh38, 1-based): chr4:44,681,184, T>G. VCF-style: chr4-44681184-T-G. GRCh37 (hg19) VCF-style: chr4-44683201-T-G.
Other names: c.-481T>G (NM_001345867.2); c.488T>G, p.Leu163Arg (NM_001345868.2); c.-485T>G (NM_001345869.2); short protein forms L163R.
Identifiers: ClinVar variation 1978367 (VCV001978367.2), dbSNP rs1388044439, ClinGen allele CA356761379.